The following is an entry in ClinVar:

NM_000261.2(MYOC):c.1037G>C (p.Arg346Thr)

Gene: MYOC (myocilin; minus strand). Cytogenetic location: 1q24.3.
Variant type: single nucleotide variant.
Coding change: c.1037G>C on transcript NM_000261.2 (MANE Select); coding-DNA position 1037, G replaced by C.
Protein change: p.Arg346Thr; replaces arginine 346 with threonine.
Molecular consequence: missense variant.
Genome position (GRCh38, 1-based): chr1:171,636,403, C>G on the plus strand (G>C on the coding strand, the complement: MYOC is on the minus strand). VCF-style: chr1-171636403-C-G. GRCh37 (hg19) VCF-style: chr1-171605543-C-G.
Other names: NM_000261.2:c.1037G>C; short protein forms R346T.
Identifiers: ClinVar variation 1810371 (VCV001810371.2), dbSNP rs1652922254, ClinGen allele CA343724974.

ClinVar aggregate classification (germline): Uncertain significance (3 of 4 stars; one submission).

Conditions:
Open-angle glaucoma. Identifiers: MedGen C0017612, MONDO:0005338, HP:0012108.

Allele frequency attached by ClinVar (database versions not stated): gnomAD exomes below 0.00001.
gnomAD v4.1: 2 of 1,614,176 alleles (0.00012%); highest among the groups gnomAD compares: Non-Finnish European, 0.00017%; no homozygotes.

Submission:

ClinGen Glaucoma Variant Curation Expert Panel
Classification: Uncertain significance for Open-angle glaucoma. Last evaluated: 2026-01-20. Review status: reviewed by expert panel. Criteria: ClinGen Glaucoma ACMG Specifications V2.0.0 Approved. Collection method: curation. Allele origin: germline. Inheritance: Autosomal dominant inheritance.
Comment: The c.1037G>C variant in MYOC is a missense variant predicted to cause substitution of Arginine by Threonine at amino acid 346 (p.Arg346Thr). The highest minor allele frequency of this variant was in the European (non-Finnish) genetic ancestry group of gnomAD (v4.1.0) = 0.000001695 (2 alleles out of 1,180,026), which met the ≤ 0.0001 threshold set for PM2_Supporting in a genetic ancestry group of at least 10,000 alleles. The REVEL score = 0.561, which was neither above nor below the thresholds for PP3 (≥ 0.644) or BP4 (≤ 0.290), predicting a damaging or benign impact on MYOC function. The assay in this study (PMID: 17615537), measuring solubility and secretion of the Arg346Thr protein, did not meet the OddsPath threshold for PS3_Supporting (> 2.1). Only 1 proband with narrow-angle glaucoma had been reported (PMID: 17615537), not meeting the ≥ 2 probands threshold required to meet PS4_Supporting. In summary, this variant met the criteria to receive a score of 1 and to be classified as a variant of uncertain significance (uncertain significance classification range -1 to 5, adapted from PMID: 32720330) for primary open angle glaucoma based on the ACMG/AMP criteria met, as specified by the ClinGen Glaucoma VCEP (v2.0.0, 5 Dec 2024): PM2_Supporting.